The following is an entry in ClinVar:

NM_007294.4(BRCA1):c.5365_5366delinsA (p.Ala1789fs)

Gene: BRCA1 (BRCA1 DNA repair associated; minus strand). Cytogenetic location: 17q21.31.
Variant type: Indel.
Coding change: c.5365_5366delinsA on transcript NM_007294.4 (MANE Select); coding-DNA positions 5365 to 5366, GC replaced by A.
Protein change: p.Ala1789fs; shifts the reading frame from alanine 1789.
Molecular consequence: frameshift variant. On other transcripts: non-coding transcript variant (1), intron variant (1).
Genome position (GRCh38, 1-based): chr17:43,049,161-43,049,162, GC replaced by T on the plus strand (GC replaced by A on the coding strand, the reverse complement: BRCA1 is on the minus strand). VCF-style: chr17-43049161-GC-T. GRCh37 (hg19) VCF-style: chr17-41201178-GC-T.
Other names: c.5224_5225delGCinsA, p.Ala1742Ilefs (NM_001407696.1, NM_001407697.1, NM_001407698.1 and 11 more transcripts); c.5221_5222delGCinsA, p.Ala1741Ilefs (NM_001407732.1, NM_001407733.1, NM_001407734.1 and 18 more transcripts); c.5218_5219delGCinsA, p.Ala1740Ilefs (NM_001407838.1, NM_001407839.1, NM_001407841.1 and 12 more transcripts); c.5164_5165delGCinsA, p.Ala1722Ilefs (NM_001407862.1); c.5161_5162delGCinsA, p.Ala1721Ilefs (NM_001407863.1); c.5158_5159delGCinsA, p.Ala1720Ilefs (NM_001407874.1, NM_001407875.1); c.5155_5156delGCinsA, p.Ala1719Ilefs (NM_001407879.1, NM_001407881.1, NM_001407882.1 and 5 more transcripts); c.5152_5153delGCinsA, p.Ala1718Ilefs (NM_001407894.1, NM_001407895.1, NM_001407896.1 and 12 more transcripts); and 75 more; short protein forms A1810fs, A1742fs, A1789fs, A685fs.
Identifiers: ClinVar variation 462672 (VCV000462672.7), dbSNP rs1555575142, ClinGen allele CA658656643.

ClinVar aggregate classification (germline): Pathogenic/Likely pathogenic. Review status: criteria provided, multiple submitters, no conflicts (2 of 4 stars). 2 submissions from 2 submitters: Pathogenic (1); Likely pathogenic (1). Last evaluated 2022-09-06.

Conditions:
BRCA1-related disorder. Also called: BRCA1-related condition.
Hereditary breast ovarian cancer syndrome. Also called: BRCA1- and BRCA2-Associated Hereditary Breast and Ovarian Cancer; Hereditary breast and ovarian cancer syndrome; Hereditary breast and/or ovarian cancer syndrome; Hereditary breast and ovarian cancer syndrome (HBOC); Hereditary breast and ovarian cancer; Breast and ovarian cancer. Identifiers: Orphanet 145, MedGen C0677776, MeSH D061325, MONDO:0003582. Disease mechanism: loss of function.

Submissions (2):

Blueprint Genetics
Classification: Likely pathogenic for BRCA1-related disorders. Last evaluated: 2022-09-06. Review status: criteria provided, single submitter. Criteria: ACMG Guidelines, 2015. Collection method: clinical testing. Allele origin: germline. Affected: yes. Observed: 1 variant allele.

Labcorp Genetics (formerly Invitae), Labcorp
Classification: Pathogenic for Hereditary breast ovarian cancer syndrome. Last evaluated: 2020-08-05. Review status: criteria provided, single submitter. Criteria: Invitae Variant Classification Sherloc (09022015). Collection method: clinical testing. Allele origin: germline.
Comment: This sequence change creates a premature translational stop signal (p.Ala1789Ilefs*4) in the BRCA1 gene. It is expected to result in an absent or disrupted protein product. This variant is present in population databases (rs760188581, ExAC 0.006%). This variant has been observed in individual(s) with breast cancer (PMID: 30875412). ClinVar contains an entry for this variant (Variation ID: 254468). Loss-of-function variants in BRCA1 are known to be pathogenic (PMID: 20104584). For these reasons, this variant has been classified as Pathogenic.

Literature cited by the submitters: PubMed 30875412 (cited by Labcorp Genetics (formerly Invitae), Labcorp); PubMed 20104584 (cited by Labcorp Genetics (formerly Invitae), Labcorp).